The following is an entry in ClinVar:

NM_001130438.3(SPTAN1):c.7014-1G>C

Gene: SPTAN1 (spectrin alpha, non-erythrocytic 1; plus strand). Cytogenetic location: 9q34.11.
Variant type: single nucleotide variant.
Coding change: c.7014-1G>C on transcript NM_001130438.3 (MANE Select); the canonical splice acceptor site of the intron before coding-DNA position 7014, G replaced by C.
Molecular consequence: splice acceptor variant.
Genome position (GRCh38, 1-based): chr9:128,632,571, G>C. VCF-style: chr9-128632571-G-C. GRCh37 (hg19) VCF-style: chr9-131394850-G-C.
Other names: c.7113-1G>C (NM_001375318.1); c.7050-1G>C (NM_001375312.2); c.7014-1G>C (NM_001375311.2); c.6954-1G>C (NM_001375314.2, NM_001363765.2); c.7101-1G>C (NM_001375310.1); c.7077-1G>C (NM_001363759.2); c.6996-1G>C (NM_001375313.1); c.6999-1G>C (NM_003127.4); and 1 more.
Identifiers: ClinVar variation 2632173 (VCV002632173.1), dbSNP rs2542390266, ClinGen allele CA375100027.
Genomic context (GRCh38, chr9:128,632,571, plus strand): 5'-TGGGTGGGGGGTGTTCGGCAGCAGGGCTGCCTGCTGAGCCGCCCTCGGCTTTGTGCTGCA[G>C]ACACTTTGACAAGGACAAGTCTGGCAGGCTGAACCATCAGGAGTTCAAATCTTGCCTGCG-3'

ClinVar aggregate classification (germline): Uncertain significance (1 of 4 stars; one submission).

Conditions:
SPTAN1-related disorder. Also called: SPTAN1-related condition; SPTAN1-related disorders.

Submission:

PreventionGenetics, part of Exact Sciences
Classification: Uncertain significance for SPTAN1-related condition. Last evaluated: 2023-06-24. Review status: criteria provided, single submitter. Criteria: ACMG Guidelines, 2015. Collection method: clinical testing. Allele origin: germline.
Comment: The SPTAN1 c.7014-1G>C variant is predicted to disrupt the AG splice acceptor site and interfere with normal splicing. To our knowledge, this variant has not been reported in the literature or in a large population database, indicating this variant is rare. Although we suspect that this variant may be pathogenic, at this time, the clinical significance of this variant is uncertain due to the absence of conclusive functional and genetic evidence.